The following is an entry in ClinVar:

NM_152564.5(VPS13B):c.10765C>G (p.Leu3589Val)

Gene: VPS13B (vacuolar protein sorting 13 homolog B; plus strand). Cytogenetic location: 8q22.2.
Variant type: single nucleotide variant.
Coding change: c.10765C>G on transcript NM_152564.5 (MANE Select); coding-DNA position 10765, C replaced by G.
Protein change: p.Leu3589Val; replaces leucine 3589 with valine.
Molecular consequence: missense variant.
Genome position (GRCh38, 1-based): chr8:99,854,154, C>G. VCF-style: chr8-99854154-C-G. GRCh37 (hg19) VCF-style: chr8-100866382-C-G.
Other names: c.10840C>G, p.Leu3614Val (NM_017890.5); short protein forms L3589V, L3614V.
Identifiers: ClinVar variation 2417233 (VCV002417233.3), dbSNP rs551114360, ClinGen allele CA182314839.

ClinVar aggregate classification (germline): Uncertain significance (1 of 4 stars; one submission).

Conditions:
Cohen syndrome (COH1). Also called: PEPPER SYNDROME; Cutis verticis gyrata, retinitis pigmentosa, and sensorineural deafness. Identifiers: Orphanet 193, MedGen C0265223, MONDO:0008999, OMIM 216550.

Allele frequency attached by ClinVar (database versions not stated): TOPMed below 0.00001.
gnomAD v4.1: 10 of 1,613,898 alleles (0.00062%); highest among the groups gnomAD compares: Non-Finnish European, 0.00085%; no homozygotes.

Submission:

Labcorp Genetics (formerly Invitae), Labcorp
Classification: Uncertain significance for Cohen syndrome. Last evaluated: 2022-08-22. Review status: criteria provided, single submitter. Criteria: Invitae Variant Classification Sherloc (09022015). Collection method: clinical testing. Allele origin: germline.
Comment: This sequence change replaces leucine, which is neutral and non-polar, with valine, which is neutral and non-polar, at codon 3614 of the VPS13B protein (p.Leu3614Val). This variant is present in population databases (no rsID available, gnomAD 0.002%). This variant has not been reported in the literature in individuals affected with VPS13B-related conditions. Algorithms developed to predict the effect of missense changes on protein structure and function are either unavailable or do not agree on the potential impact of this missense change (SIFT: "Not Available"; PolyPhen-2: "Benign"; Align-GVGD: "Not Available"). In summary, the available evidence is currently insufficient to determine the role of this variant in disease. Therefore, it has been classified as a Variant of Uncertain Significance.